The following is an entry in ClinVar:

ClinVar aggregate classification (germline): Likely pathogenic (1 of 4 stars; one submission).

Conditions:
Nemaline myopathy. Also called: Myopathies, Nemaline. Identifiers: Orphanet 607, MedGen C0206157, MONDO:0018958.

gnomAD v4.1: 5 of 1,606,944 alleles (0.00031%); no homozygotes.

Submission:

Women's Health and Genetics/Laboratory Corporation of America, LabCorp
Classification: Likely pathogenic for Nemaline myopathy. Last evaluated: 2025-03-20. Review status: criteria provided, single submitter. Criteria: LabCorp Variant Classification Summary - May 2015. Collection method: clinical testing. Allele origin: germline.
Comment: Variant summary: NEB c.3988-2A>C is located in a canonical splice-site and is predicted to affect mRNA splicing resulting in a significantly altered protein due to either exon skipping, shortening, or inclusion of intronic material. Variants that disrupt the consensus splice site are a relatively common cause of aberrant splicing and loss of NEB function. Several computational tools predict a significant impact on normal splicing: Three predict the variant abolishes a 3' acceptor site. However, these predictions have yet to be confirmed by functional studies. The variant was absent in 245040 control chromosomes. To our knowledge, no occurrence of c.3988-2A>C in individuals affected with Nemaline Myopathy 2 and no experimental evidence demonstrating its impact on protein function have been reported. No submitters have cited clinical-significance assessments for this variant to ClinVar. Based on the evidence outlined above, the variant was classified as likely pathogenic.

NM_001164508.2(NEB):c.3988-2A>C

Gene: NEB (nebulin; minus strand). Cytogenetic location: 2q23.3.
Variant type: single nucleotide variant.
Coding change: c.3988-2A>C on transcript NM_001164508.2 (MANE Select); the canonical splice acceptor site of the intron before coding-DNA position 3988, A replaced by C.
Molecular consequence: splice acceptor variant.
Genome position (GRCh38, 1-based): chr2:151,672,682, T>G on the plus strand (A>C on the coding strand, the complement: NEB is on the minus strand). VCF-style: chr2-151672682-T-G. GRCh37 (hg19) VCF-style: chr2-152529196-T-G.
Other names: c.3988-2A>C (NM_004543.5, NM_001164507.2, NM_001271208.2).
Identifiers: ClinVar variation 3896070 (VCV003896070.1).
Genomic context (GRCh38, chr2:151,672,682, plus strand): 5'-AGGCTTCTGAAACCCACATGCTTTCCCTTTGACTTCTCATAAGCTTCCTTGTATTTATAC[T>G]GTGGAGGCAGAATTGGGTTAGCAAAGTCCTAGGCATTGATAGCATTAGCGCTGCAATTAC-3'